The following is an entry in ClinVar:

ClinVar aggregate classification (germline): Likely benign (0 of 4 stars; one submission).

Conditions:
PLXNA3-related disorder. Also called: PLXNA3-related condition.

Submission:

PreventionGenetics, part of Exact Sciences
Classification: Likely benign for PLXNA3-related condition. Last evaluated: 2019-06-13. Review status: no assertion criteria provided. Collection method: clinical testing. Allele origin: germline.
Comment: This variant is classified as likely benign based on ACMG/AMP sequence variant interpretation guidelines (Richards et al. 2015 PMID: 25741868, with internal and published modifications).

NM_017514.5(PLXNA3):c.5521-3C>T

Gene: PLXNA3 (plexin A3; plus strand). Cytogenetic location: Xq28.
Variant type: single nucleotide variant.
Coding change: c.5521-3C>T on transcript NM_017514.5 (MANE Select); 3 bases into the intron before coding-DNA position 5521, C replaced by T.
Molecular consequence: intron variant.
Genome position (GRCh38, 1-based): chrX:154,472,587, C>T. VCF-style: chrX-154472587-C-T. GRCh37 (hg19) VCF-style: chrX-153700930-C-T.
Identifiers: ClinVar variation 3352260 (VCV003352260.1).